The following is an entry in ClinVar:

NM_031924.8(RSPH3):c.620A>G (p.Tyr207Cys)

Gene: RSPH3 (radial spoke head 3; minus strand). Cytogenetic location: 6q25.3.
Variant type: single nucleotide variant.
Coding change: c.620A>G on transcript NM_031924.8 (MANE Select); coding-DNA position 620, A replaced by G.
Protein change: p.Tyr207Cys; replaces tyrosine 207 with cysteine.
Molecular consequence: missense variant. On other transcripts: non-coding transcript variant (1).
Genome position (GRCh38, 1-based): chr6:158,982,561, T>C on the plus strand (A>G on the coding strand, the complement: RSPH3 is on the minus strand). VCF-style: chr6-158982561-T-C. GRCh37 (hg19) VCF-style: chr6-159403593-T-C.
Other names: c.758A>G, p.Tyr253Cys (NM_001346418.1); short protein forms Y253C, Y207C.
Identifiers: ClinVar variation 572046 (VCV000572046.1), dbSNP rs1562560893, ClinGen allele CA366280494.

ClinVar aggregate classification (germline): Uncertain significance (1 of 4 stars; one submission).

Conditions:
Primary ciliary dyskinesia 32. Also called: CILIARY DYSKINESIA, PRIMARY, 32, WITHOUT SITUS INVERSUS. Identifiers: Orphanet 244, MedGen C4225311, MONDO:0014657, OMIM 616481.

gnomAD v4.1: 4 of 1,614,036 alleles (0.00025%); highest among the groups gnomAD compares: South Asian, 0.0022%; no homozygotes.

Submission:

Labcorp Genetics (formerly Invitae), Labcorp
Classification: Uncertain significance for Ciliary dyskinesia, primary, 32. Last evaluated: 2018-04-20. Review status: criteria provided, single submitter. Criteria: Invitae Variant Classification Sherloc (09022015). Collection method: clinical testing. Allele origin: germline.
Comment: This sequence change replaces tyrosine with cysteine at codon 349 of the RSPH3 protein (p.Tyr349Cys). The tyrosine residue is moderately conserved and there is a large physicochemical difference between tyrosine and cysteine. This variant is not present in population databases (ExAC no frequency). This variant has not been reported in the literature in individuals with RSPH3-related disease. Algorithms developed to predict the effect of missense changes on protein structure and function (SIFT, PolyPhen-2, Align-GVGD) all suggest that this variant is likely to be disruptive, but these predictions have not been confirmed by published functional studies and their clinical significance is uncertain. In summary, the available evidence is currently insufficient to determine the role of this variant in disease. Therefore, it has been classified as a Variant of Uncertain Significance.